The following is an entry in ClinVar:

ClinVar aggregate classification (germline): Conflicting classifications of pathogenicity. Review status: criteria provided, conflicting classifications (1 of 4 stars). 3 submissions from 3 submitters: Uncertain significance (1); Benign (1); Likely benign (1). Last evaluated 2025-02-12.

Conditions:
Hereditary leiomyomatosis and renal cell cancer. Also called: Multiple cutaneous leiomyomas; FH tumor predisposition syndrome; MULTIPLE CUTANEOUS AND UTERINE LEIOMYOMATA 1, WITH OR WITHOUT RENAL CELL CARCINOMA; Reed syndrome; Multiple cutaneous and uterine leiomyomatosis; Cutaneous leiomyomata with uterine leiomyomata. Identifiers: Orphanet 523, MedGen C1708350, MONDO:0007888, OMIM 150800, HP:0007437. Disease mechanism: loss of function.

Allele frequency attached by ClinVar (database versions not stated): gnomAD 0.00001; gnomAD exomes 0.00001 and 0.00003; ExAC 0.00005.

Submissions (3):

Quest Diagnostics Nichols Institute San Juan Capistrano
Classification: Uncertain significance. Last evaluated: 2025-02-12. Review status: criteria provided, single submitter. Criteria: Quest Diagnostics criteria. Collection method: clinical testing. Allele origin: unknown.
Comment: The FH c.*5C>T variant has not been reported in individuals with FH-related conditions in the published literature. The frequency of this variant in the general population (Genome Aggregation Database) is uninformative in the assessment of its pathogenicity. Analysis of this variant using software algorithms for the prediction of the effect of nucleotide changes on splicing yielded predictions that this variant does not affect FH mRNA splicing. Based on the available information, we are unable to determine the clinical significance of this variant.

Myriad Genetics, Inc.
Classification: Benign for Hereditary leiomyomatosis and renal cell cancer. Last evaluated: 2024-10-22. Review status: criteria provided, single submitter. Criteria: Myriad Autosomal Dominant, Autosomal Recessive and X-Linked Classification Criteria (2023). Collection method: clinical testing. Allele origin: unknown.
Comment: This variant is considered benign. This variant occurs in the non-coding 3' untranslated region of the gene, and is not expected to impact protein function.

GeneDx
Classification: Likely benign. Last evaluated: 2019-11-05. Review status: criteria provided, single submitter. Criteria: GeneDx Variant Classification Process June 2021. Collection method: clinical testing. Allele origin: germline. Affected: yes.

NM_000143.4(FH):c.*5C>T

Gene: FH (fumarate hydratase; minus strand). Cytogenetic location: 1q43.
Variant type: single nucleotide variant.
Coding change: c.*5C>T on transcript NM_000143.4 (MANE Select); 5 bases downstream of the stop codon, C replaced by T.
Molecular consequence: 3 prime UTR variant.
Genome position (GRCh38, 1-based): chr1:241,497,823, G>A on the plus strand (C>T on the coding strand, the complement: FH is on the minus strand). VCF-style: chr1-241497823-G-A. GRCh37 (hg19) VCF-style: chr1-241661123-G-A.
Other names: c.*5C>T (NM_000143.3).
Identifiers: ClinVar variation 1293664 (VCV001293664.3), dbSNP rs777344869, ClinGen allele CA1478422.
Genomic context (GRCh38, chr1:241,497,823, plus strand): 5'-TAAGAAATGGGAGTCTGTTTTTTTAAATTTTATACATGTTTATTTTCATTATAAATTTAT[G>A]TAAATCACTTTGGACCCAGCATGTCCTTAGGTTTTACCCATTCGTCAAACTGCTCTGCTG-3'